The following is an entry in ClinVar:

NM_181078.3(IL21R):c.1286G>T (p.Gly429Val)

Genes: IL21R (interleukin 21 receptor; plus strand), IL21R-AS1 (IL21R antisense RNA 1; minus strand). Cytogenetic location: 16p12.1.
Variant type: single nucleotide variant.
Coding change: c.1286G>T on transcript NM_181078.3 (MANE Select); coding-DNA position 1286, G replaced by T.
Protein change: p.Gly429Val; replaces glycine 429 with valine.
Molecular consequence: missense variant. On other transcripts: non-coding transcript variant (1).
Genome position (GRCh38, 1-based): chr16:27,448,952, G>T. VCF-style: chr16-27448952-G-T. GRCh37 (hg19) VCF-style: chr16-27460273-G-T.
Other names: c.1286G>T, p.Gly429Val (NM_021798.4); c.1352G>T, p.Gly451Val (NM_181079.5); short protein forms G429V, G451V.
Identifiers: ClinVar variation 2006818 (VCV002006818.4), dbSNP rs764788674, ClinGen allele CA395308173.
Genomic context (GRCh38, chr16:27,448,952, plus strand): 5'-AGCCCAGCCCAGGCCTAGAGGACCCACTCTTGGATGCAGGGACCACAGTCCTGTCCTGTG[G>T]CTGTGTCTCAGCTGGCAGCCCTGGGCTAGGAGGGCCCCTGGGAAGCCTCCTGGACAGACT-3'
Protein context (NP_851564.1, residues 419-439): LDAGTTVLSC[Gly429Val]CVSAGSPGLG

ClinVar aggregate classification (germline): Uncertain significance (1 of 4 stars; one submission).

Conditions:
Cryptosporidiosis-chronic cholangitis-liver disease syndrome. Also called: IL21R immunodeficiency; Immunodeficiency type 56. Identifiers: Orphanet 357329, MedGen C3554687, MONDO:0014082, OMIM 615207.

Submission:

Labcorp Genetics (formerly Invitae), Labcorp
Classification: Uncertain significance for Cryptosporidiosis-chronic cholangitis-liver disease syndrome. Last evaluated: 2022-06-15. Review status: criteria provided, single submitter. Criteria: Invitae Variant Classification Sherloc (09022015). Collection method: clinical testing. Allele origin: germline.
Comment: In summary, the available evidence is currently insufficient to determine the role of this variant in disease. Therefore, it has been classified as a Variant of Uncertain Significance. Algorithms developed to predict the effect of missense changes on protein structure and function are either unavailable or do not agree on the potential impact of this missense change (SIFT: "Deleterious"; PolyPhen-2: "Probably Damaging"; Align-GVGD: "Class C0"). This variant has not been reported in the literature in individuals affected with IL21R-related conditions. This variant is not present in population databases (gnomAD no frequency). This sequence change replaces glycine, which is neutral and non-polar, with valine, which is neutral and non-polar, at codon 429 of the IL21R protein (p.Gly429Val).